The following is an entry in ClinVar:

NM_001440.4(EXTL3):c.724G>T (p.Val242Leu)

Gene: EXTL3 (exostosin like glycosyltransferase 3; plus strand). Cytogenetic location: 8p21.1.
Variant type: single nucleotide variant.
Coding change: c.724G>T on transcript NM_001440.4 (MANE Select); coding-DNA position 724, G replaced by T.
Protein change: p.Val242Leu; replaces valine 242 with leucine.
Molecular consequence: missense variant.
Genome position (GRCh38, 1-based): chr8:28,716,783, G>T. VCF-style: chr8-28716783-G-T. GRCh37 (hg19) VCF-style: chr8-28574300-G-T.
Other names: short protein forms V242L.
Identifiers: ClinVar variation 1388336 (VCV001388336.8), dbSNP rs1007303315, ClinGen allele CA174386096.

ClinVar aggregate classification (germline): Uncertain significance (1 of 4 stars; one submission).

Allele frequency attached by ClinVar (database versions not stated): TOPMed below 0.00001; gnomAD 0.00001; gnomAD exomes 0.00001.
gnomAD v4.1: 20 of 1,614,176 alleles (0.0012%); highest among the groups gnomAD compares: Non-Finnish European, 0.0017%; no homozygotes.

Submission:

Labcorp Genetics (formerly Invitae), Labcorp
Classification: Uncertain significance. Last evaluated: 2022-02-10. Review status: criteria provided, single submitter. Criteria: Invitae Variant Classification Sherloc (09022015). Collection method: clinical testing. Allele origin: germline.
Comment: This sequence change replaces valine, which is neutral and non-polar, with leucine, which is neutral and non-polar, at codon 242 of the EXTL3 protein (p.Val242Leu). This variant is not present in population databases (gnomAD no frequency). This variant has not been reported in the literature in individuals affected with EXTL3-related conditions. Algorithms developed to predict the effect of missense changes on protein structure and function (SIFT, PolyPhen-2, Align-GVGD) all suggest that this variant is likely to be tolerated. In summary, the available evidence is currently insufficient to determine the role of this variant in disease. Therefore, it has been classified as a Variant of Uncertain Significance.